The following is an entry in ClinVar:

NM_001110556.2(FLNA):c.4064C>T (p.Pro1355Leu)

Gene: FLNA (filamin A; minus strand). Cytogenetic location: Xq28.
Variant type: single nucleotide variant.
Coding change: c.4064C>T on transcript NM_001110556.2 (MANE Select); coding-DNA position 4064, C replaced by T.
Protein change: p.Pro1355Leu; replaces proline 1355 with leucine.
Molecular consequence: missense variant.
Genome position (GRCh38, 1-based): chrX:154,359,562, G>A on the plus strand (C>T on the coding strand, the complement: FLNA is on the minus strand). VCF-style: chrX-154359562-G-A. GRCh37 (hg19) VCF-style: chrX-153587930-G-A.
Other names: c.4064C>T, p.Pro1355Leu (NM_001456.4); short protein forms P1355L.
Identifiers: ClinVar variation 2952012 (VCV002952012.3), dbSNP rs2522738862, ClinGen allele CA415219993.

ClinVar aggregate classification (germline): Uncertain significance (1 of 4 stars; one submission).

Conditions:
Heterotopia, periventricular, X-linked dominant (PVNH1). Also called: PERIVENTRICULAR NODULAR HETEROTOPIA 1; X-linked periventricular heterotopia; PERIVENTRICULAR NODULAR HETEROTOPIA 4; HETEROTOPIA, PERIVENTRICULAR, 1. Identifiers: Orphanet 2149, Orphanet 82004, MedGen C1848213, MONDO:0010233, OMIM 300049.
Melnick-Needles syndrome (MNS). Also called: Melnick-Needles Syndrome (FLNA-MNS); MELNICK-NEEDLES OSTEODYSPLASTY; OSTEODYSPLASTY OF MELNICK AND NEEDLES. Identifiers: Orphanet 2484, MedGen C0025237, MONDO:0010650, OMIM 309350.
Frontometaphyseal dysplasia (FMD1). Identifiers: Orphanet 1826, MedGen C0265293, MONDO:0015942.
Oto-palato-digital syndrome, type II (OPD2). Also called: Otopalatodigital Syndrome Type 2 (FLNA-OPD2); FACIOPALATOOSSEOUS SYNDROME; OPD II SYNDROME; Otopalatodigital Syndrome, Type II. Identifiers: Orphanet 669, Orphanet 90652, MedGen C1844696, MONDO:0010571, OMIM 304120.

Submission:

Labcorp Genetics (formerly Invitae), Labcorp
Classification: Uncertain significance for Oto-palato-digital syndrome, type II; Heterotopia, periventricular, X-linked dominant; Frontometaphyseal dysplasia; Melnick-Needles syndrome. Last evaluated: 2023-09-17. Review status: criteria provided, single submitter. Criteria: Invitae Variant Classification Sherloc (09022015). Collection method: clinical testing. Allele origin: germline.
Comment: This variant is not present in population databases (gnomAD no frequency). This sequence change replaces proline, which is neutral and non-polar, with leucine, which is neutral and non-polar, at codon 1355 of the FLNA protein (p.Pro1355Leu). This variant has not been reported in the literature in individuals affected with FLNA-related conditions. In summary, the available evidence is currently insufficient to determine the role of this variant in disease. Therefore, it has been classified as a Variant of Uncertain Significance. Advanced modeling of protein sequence and biophysical properties (such as structural, functional, and spatial information, amino acid conservation, physicochemical variation, residue mobility, and thermodynamic stability) has been performed at Invitae for this missense variant, however the output from this modeling did not meet the statistical confidence thresholds required to predict the impact of this variant on FLNA protein function.